The following is an entry in ClinVar:

ClinVar aggregate classification (germline): Conflicting classifications of pathogenicity. Review status: criteria provided, conflicting classifications (1 of 4 stars). 2 submissions from 2 submitters: Likely pathogenic (1); Uncertain significance (1). Last evaluated 2024-08-05.

Conditions:
Developmental and epileptic encephalopathy, 61. Also called: Early infantile epileptic encephalopathy 61. Identifiers: MedGen C4693688, MONDO:0033370, OMIM 617933.

Allele frequency attached by ClinVar (database versions not stated): gnomAD 0.00001; gnomAD exomes 0.00001.
gnomAD v4.1: 10 of 1,613,028 alleles (0.00062%); highest among the groups gnomAD compares: African/African-American, 0.0013%; no homozygotes.

Submissions (2):

GeneDx
Classification: Likely pathogenic. Last evaluated: 2024-08-05. Review status: criteria provided, single submitter. Criteria: GeneDx Variant Classification Process June 2021. Collection method: clinical testing. Allele origin: germline. Affected: yes.
Comment: Published functional studies suggest a damaging effect, as T578M showed reduced expression, maturation, and activity of the ADAM22 protein (PMID: 35373813); Not observed at significant frequency in large population cohorts (gnomAD); In silico analysis supports that this missense variant has a deleterious effect on protein structure/function; This variant is associated with the following publications: (PMID: 35373813)

Laboratorio de Genetica e Diagnostico Molecular, Hospital Israelita Albert Einstein
Classification: Uncertain significance for Developmental and epileptic encephalopathy, 61. Last evaluated: 2022-11-04. Review status: criteria provided, single submitter. Criteria: ACMG Guidelines, 2015. Collection method: clinical testing. Allele origin: germline. Affected: yes.
Comment: ACMG classification criteria: PM2 moderated, BP4 supporting

NM_001324418.2(ADAM22):c.1733C>T (p.Thr578Met)

Gene: ADAM22 (ADAM metallopeptidase domain 22; plus strand). Cytogenetic location: 7q21.12.
Variant type: single nucleotide variant.
Coding change: c.1733C>T on transcript NM_001324418.2 (MANE Select); coding-DNA position 1733, C replaced by T.
Protein change: p.Thr578Met; replaces threonine 578 with methionine.
Molecular consequence: missense variant.
Genome position (GRCh38, 1-based): chr7:88,153,272, C>T. VCF-style: chr7-88153272-C-T. GRCh37 (hg19) VCF-style: chr7-87782587-C-T.
Other names: c.1709C>T, p.Thr570Met (NM_001391982.1); c.1733C>T, p.Thr578Met (NM_004194.5, NM_016351.6, NM_021721.5 and 6 more transcripts); c.1733C>T (NM_021723.3); c.1730C>T, p.Thr577Met (NM_001324417.2, NM_001324419.2, NM_001391978.1 and 2 more transcripts); c.1784C>T, p.Thr595Met (NM_001391975.1, NM_001391980.1); short protein forms T570M, T577M, T578M, T595M.
Identifiers: ClinVar variation 2431595 (VCV002431595.3), dbSNP rs1838987290, ClinGen allele CA368065110.
Genomic context (GRCh38, chr7:88,153,272, plus strand): 5'-CTGCCTTAGAGGTGACAGCATCAGACAAATATTGCTATGAGAAACTGAATATTGAAGGGA[C>T]GGAGAAGGGTAACTGTGGGAAAGACAAAGACACATGGATACAGTGCAACAAACGGTGAGG-3'
Protein context (NP_001311347.1, residues 568-588): YCYEKLNIEG[Thr578Met]EKGNCGKDKD